The following is an entry in ClinVar:

NM_001256789.3(CACNA1F):c.1405G>C (p.Glu469Gln)

Gene: CACNA1F (calcium voltage-gated channel subunit alpha1 F; minus strand). Cytogenetic location: Xp11.23.
Variant type: single nucleotide variant.
Coding change: c.1405G>C on transcript NM_001256789.3 (MANE Select); coding-DNA position 1405, G replaced by C.
Protein change: p.Glu469Gln; replaces glutamic acid 469 with glutamine.
Molecular consequence: missense variant.
Genome position (GRCh38, 1-based): chrX:49,226,467, C>G on the plus strand (G>C on the coding strand, the complement: CACNA1F is on the minus strand). VCF-style: chrX-49226467-C-G. GRCh37 (hg19) VCF-style: chrX-49082929-C-G.
Other names: c.1243G>C, p.Glu415Gln (NM_001256790.3); c.1438G>C, p.Glu480Gln (NM_005183.4); short protein forms E480Q, E415Q, E469Q.
Identifiers: ClinVar variation 2011979 (VCV002011979.4), dbSNP rs2065825462, ClinGen allele CA412917436.
Genomic context (GRCh38, chrX:49,226,467, plus strand): 5'-ACAGGCAGCGTGTACAGCTGGCCAGAGCCCCCTCCTCCTCATCCTCATCGCCTTGGGTCT[C>G]TGTCATGGAACCGGTGTCACTGGCTGGGAGGCTGGCTGTAGGCAAGGTGGGGATAGTGGT-3'
Protein context (NP_001243718.1, residues 459-479): LPASDTGSMT[Glu469Gln]TQGDEDEEEG

ClinVar aggregate classification (germline): Uncertain significance (1 of 4 stars; one submission).

Allele frequency attached by ClinVar (database versions not stated): gnomAD exomes below 0.00001.
gnomAD v4.1: 2 of 1,191,811 alleles (0.00017%); highest among the groups gnomAD compares: African/African-American, 0.0035%; no homozygotes.

Submission:

Labcorp Genetics (formerly Invitae), Labcorp
Classification: Uncertain significance. Last evaluated: 2025-03-03. Review status: criteria provided, single submitter. Criteria: Invitae Variant Classification Sherloc (09022015). Collection method: clinical testing. Allele origin: germline.
Comment: This sequence change replaces glutamic acid, which is acidic and polar, with glutamine, which is neutral and polar, at codon 480 of the CACNA1F protein (p.Glu480Gln). This variant is not present in population databases (gnomAD no frequency). This variant has not been reported in the literature in individuals affected with CACNA1F-related conditions. ClinVar contains an entry for this variant (Variation ID: 2011979). Invitae Evidence Modeling of protein sequence and biophysical properties (such as structural, functional, and spatial information, amino acid conservation, physicochemical variation, residue mobility, and thermodynamic stability) indicates that this missense variant is not expected to disrupt CACNA1F protein function with a negative predictive value of 80%. In summary, the available evidence is currently insufficient to determine the role of this variant in disease. Therefore, it has been classified as a Variant of Uncertain Significance.